The following is an entry in ClinVar:

ClinVar aggregate classification (germline): Uncertain significance (1 of 4 stars; one submission).

Submission:

Labcorp Genetics (formerly Invitae), Labcorp
Classification: Uncertain significance. Last evaluated: 2023-01-28. Review status: criteria provided, single submitter. Criteria: Invitae Variant Classification Sherloc (09022015). Collection method: clinical testing. Allele origin: germline.
Comment: In summary, the available evidence is currently insufficient to determine the role of this variant in disease. Therefore, it has been classified as a Variant of Uncertain Significance. Advanced modeling of protein sequence and biophysical properties (such as structural, functional, and spatial information, amino acid conservation, physicochemical variation, residue mobility, and thermodynamic stability) performed at Invitae indicates that this missense variant is not expected to disrupt LRP6 protein function. This variant has not been reported in the literature in individuals affected with LRP6-related conditions. This variant is not present in population databases (gnomAD no frequency). This sequence change replaces histidine, which is basic and polar, with aspartic acid, which is acidic and polar, at codon 962 of the LRP6 protein (p.His962Asp).

NM_002336.3(LRP6):c.2884C>G (p.His962Asp)

Gene: LRP6 (LDL receptor related protein 6; minus strand). Cytogenetic location: 12p13.2.
Variant type: single nucleotide variant.
Coding change: c.2884C>G on transcript NM_002336.3 (MANE Select); coding-DNA position 2884, C replaced by G.
Protein change: p.His962Asp; replaces histidine 962 with aspartic acid.
Molecular consequence: missense variant. On other transcripts: non-coding transcript variant (1).
Genome position (GRCh38, 1-based): chr12:12,150,946, G>C on the plus strand (C>G on the coding strand, the complement: LRP6 is on the minus strand). VCF-style: chr12-12150946-G-C. GRCh37 (hg19) VCF-style: chr12-12303880-G-C.
Other names: c.2431C>G, p.His811Asp (NM_001414254.1, NM_001414252.1, NM_001414253.1); c.2377C>G, p.His793Asp (NM_001414255.1); c.2884C>G, p.His962Asp (NM_001414244.1, NM_001414245.1, NM_001414246.1 and 4 more transcripts); c.2686C>G, p.His896Asp (NM_001414247.1); short protein forms H811D, H962D, H793D, H896D.
Identifiers: ClinVar variation 2863726 (VCV002863726.3), dbSNP rs2498769936, ClinGen allele CA383942398.